The following is an entry in ClinVar:

NM_182916.3(TRNT1):c.533_536del (p.Asn178fs)

Gene: TRNT1 (tRNA nucleotidyl transferase 1; plus strand). Cytogenetic location: 3p26.2.
Variant type: Deletion.
Coding change: c.533_536del on transcript NM_182916.3 (MANE Select); coding-DNA positions 533 to 536, 4 bases deleted (ATAA; older notation c.533_536delATAA).
Protein change: p.Asn178fs; shifts the reading frame from asparagine 178.
Molecular consequence: frameshift variant. On other transcripts: non-coding transcript variant (8).
Genome position (GRCh38, 1-based): chr3:3,144,635-3,144,638, ATAA deleted; deleting any 4 consecutive bases within chr3:3,144,633-3,144,638 gives the same sequence; the c. name uses the placement nearest the transcript's 3' end. VCF-style (leftmost placement, unchanged base first): chr3-3144632-AAAAT-A. GRCh37 (hg19) VCF-style: chr3-3186316-AAAAT-A.
Other names: c.533_536del, p.Asn178fs (NM_001302946.2, NM_001367321.1, NM_001367322.1 and 1 more transcripts); c.533_536delATAA (NM_182916.2); short protein forms N178fs.
Identifiers: ClinVar variation 3682974 (VCV003682974.3).

ClinVar aggregate classification (germline): Pathogenic/Likely pathogenic. Review status: criteria provided, multiple submitters, no conflicts (2 of 4 stars). 2 submissions from 2 submitters: Pathogenic (1); Likely pathogenic (1). Last evaluated 2026-07-21.

Conditions:
TRNT1-related disorder. Also called: TRNT1-related condition; TRNT1-related disorders.
Congenital sideroblastic anemia-B-cell immunodeficiency-periodic fever-developmental delay syndrome. Also called: Sideroblastic anemia with B-cell immunodeficiency, periodic fevers, and developmental delay. Identifiers: Orphanet 369861, MedGen C4015172, MONDO:0014487, OMIM 616084.

Submissions (2):

PreventionGenetics, part of Exact Sciences
Classification: Likely pathogenic for TRNT1-related condition. Last evaluated: 2026-07-21. Review status: criteria provided, single submitter. Criteria: ACMG Guidelines, 2015. Collection method: clinical testing. Allele origin: germline.
Comment: The TRNT1 c.533_536delATAA variant is predicted to result in a frameshift and premature protein termination (p.Asn178Argfs*21). To our knowledge, this variant has not been reported in the literature or in a large population database (gnomAD), indicating this variant is rare. Frameshift variants in TRNT1 are expected to be pathogenic. This variant is interpreted as likely pathogenic.

Labcorp Genetics (formerly Invitae), Labcorp
Classification: Pathogenic for Congenital sideroblastic anemia-B-cell immunodeficiency-periodic fever-developmental delay syndrome. Last evaluated: 2024-06-05. Review status: criteria provided, single submitter. Criteria: Invitae Variant Classification Sherloc (09022015). Collection method: clinical testing. Allele origin: germline.
Comment: This sequence change creates a premature translational stop signal (p.Asn178Argfs*21) in the TRNT1 gene. It is expected to result in an absent or disrupted protein product. Loss-of-function variants in TRNT1 are known to be pathogenic (PMID: 25193871). This variant is not present in population databases (gnomAD no frequency). This variant has not been reported in the literature in individuals affected with TRNT1-related conditions. For these reasons, this variant has been classified as Pathogenic.

Literature cited by the submitters: PubMed 25193871 (cited by Labcorp Genetics (formerly Invitae), Labcorp).